The following is an entry in ClinVar:

ClinVar aggregate classification (germline): Uncertain significance (1 of 4 stars; one submission).

Allele frequency attached by ClinVar (database versions not stated): ExAC 0.00005; gnomAD exomes 0.00006; gnomAD 0.00007 and 0.00008; TOPMed 0.00008; ESP Exome Variant Server 0.00031.
gnomAD v4.1: 111 of 1,613,886 alleles (0.0069%); highest among the groups gnomAD compares: Middle Eastern, 0.016%; no homozygotes.

Submission:

Labcorp Genetics (formerly Invitae), Labcorp
Classification: Uncertain significance. Last evaluated: 2025-10-29. Review status: criteria provided, single submitter. Criteria: Invitae Variant Classification Sherloc (09022015). Collection method: clinical testing. Allele origin: germline.
Comment: This sequence change replaces histidine, which is basic and polar, with arginine, which is basic and polar, at codon 521 of the KIF20A protein (p.His521Arg). This variant is present in population databases (rs148375900, gnomAD 0.01%). This variant has not been reported in the literature in individuals affected with KIF20A-related conditions. ClinVar contains an entry for this variant (Variation ID: 1436906). An algorithm developed to predict the effect of missense changes on protein structure and function (PolyPhen-2) suggests that this variant is likely to be tolerated. In summary, the available evidence is currently insufficient to determine the role of this variant in disease. Therefore, it has been classified as a Variant of Uncertain Significance.

NM_005733.3(KIF20A):c.1562A>G (p.His521Arg)

Gene: KIF20A (kinesin family member 20A; plus strand). Cytogenetic location: 5q31.2.
Variant type: single nucleotide variant.
Coding change: c.1562A>G on transcript NM_005733.3 (MANE Select); coding-DNA position 1562, A replaced by G.
Protein change: p.His521Arg; replaces histidine 521 with arginine.
Molecular consequence: missense variant.
Genome position (GRCh38, 1-based): chr5:138,184,555, A>G. VCF-style: chr5-138184555-A-G. GRCh37 (hg19) VCF-style: chr5-137520244-A-G.
Other names: short protein forms H521R.
Identifiers: ClinVar variation 1436906 (VCV001436906.7), dbSNP rs148375900, ClinGen allele CA3426647.